The following is an entry in ClinVar:

ClinVar aggregate classification (germline): Uncertain significance (1 of 4 stars; one submission).

Conditions:
Cardiovascular phenotype. Identifiers: MedGen CN230736.

Allele frequency attached by ClinVar (database versions not stated): gnomAD 0.00001.
gnomAD v4.1: 20 of 1,611,530 alleles (0.0012%); highest among the groups gnomAD compares: Non-Finnish European, 0.0017%; no homozygotes.

Submission:

Ambry Genetics
Classification: Uncertain significance for Cardiovascular phenotype. Last evaluated: 2023-10-19. Review status: criteria provided, single submitter. Criteria: Ambry Variant Classification Scheme 2023. Collection method: clinical testing. Allele origin: germline.
Comment: The p.T5I variant (also known as c.14C>T), located in coding exon 1 of the TRDN gene, results from a C to T substitution at nucleotide position 14. The threonine at codon 5 is replaced by isoleucine, an amino acid with similar properties. This amino acid position is conserved. In addition, this alteration is predicted to be tolerated by in silico analysis. Since supporting evidence is limited at this time, the clinical significance of this alteration remains unclear.

NM_006073.4(TRDN):c.14C>T (p.Thr5Ile)

Gene: TRDN (triadin; minus strand). Cytogenetic location: 6q22.31.
Variant type: single nucleotide variant.
Coding change: c.14C>T on transcript NM_006073.4 (MANE Select); coding-DNA position 14, C replaced by T.
Protein change: p.Thr5Ile; replaces threonine 5 with isoleucine.
Molecular consequence: missense variant.
Genome position (GRCh38, 1-based): chr6:123,636,762, G>A on the plus strand (C>T on the coding strand, the complement: TRDN is on the minus strand). VCF-style: chr6-123636762-G-A. GRCh37 (hg19) VCF-style: chr6-123957907-G-A.
Other names: c.14C>T, p.Thr5Ile (NM_001251987.2, NM_001256020.2, NM_001256021.2 and 2 more transcripts); short protein forms T5I.
Identifiers: ClinVar variation 3225234 (VCV003225234.1), dbSNP rs750046661, ClinGen allele CA365567979.